The following is an entry in ClinVar:

NM_022489.4(INF2):c.1666C>T (p.Arg556Trp)

Gene: INF2 (inverted formin 2; plus strand). Cytogenetic location: 14q32.33.
Variant type: single nucleotide variant.
Coding change: c.1666C>T on transcript NM_022489.4 (MANE Select); coding-DNA position 1666, C replaced by T.
Protein change: p.Arg556Trp; replaces arginine 556 with tryptophan.
Molecular consequence: missense variant.
Genome position (GRCh38, 1-based): chr14:104,707,933, C>T. VCF-style: chr14-104707933-C-T. GRCh37 (hg19) VCF-style: chr14-105174270-C-T.
Other names: c.1666C>T, p.Arg556Trp (NM_001031714.4); short protein forms R556W.
Identifiers: ClinVar variation 246561 (VCV000246561.10), dbSNP rs879254313, ClinGen allele CA10584486.

ClinVar aggregate classification (germline): Uncertain significance. Review status: criteria provided, multiple submitters, no conflicts (2 of 4 stars). 3 submissions from 3 submitters: Uncertain significance (3). Last evaluated 2025-10-01.

Conditions:
Focal segmental glomerulosclerosis 5 (FSGS5). Identifiers: Orphanet 656, MedGen C2750475, MONDO:0013191, OMIM 613237.
Charcot-Marie-Tooth disease dominant intermediate E. Also called: CHARCOT-MARIE-TOOTH NEUROPATHY WITH FOCAL SEGMENTAL GLOMERULONEPHRITIS. Identifiers: Orphanet 93114, MedGen C4302667, MONDO:0013758, OMIM 614455.

Allele frequency attached by ClinVar (database versions not stated): gnomAD exomes below 0.00001.

Submissions (3):

CeGaT Center for Human Genetics Tuebingen
Classification: Uncertain significance. Last evaluated: 2025-10-01. Review status: criteria provided, single submitter. Criteria: CeGaT Center For Human Genetics Tuebingen Variant Classification Criteria Version 2. Collection method: clinical testing. Allele origin: germline. Affected: yes. Observed: 1 variant allele.
Comment: INF2: PM2, BP4

Labcorp Genetics (formerly Invitae), Labcorp
Classification: Uncertain significance for Charcot-Marie-Tooth disease dominant intermediate E; Focal segmental glomerulosclerosis 5. Last evaluated: 2024-05-02. Review status: criteria provided, single submitter. Criteria: Invitae Variant Classification Sherloc (09022015). Collection method: clinical testing. Allele origin: germline.
Comment: This sequence change replaces arginine, which is basic and polar, with tryptophan, which is neutral and slightly polar, at codon 556 of the INF2 protein (p.Arg556Trp). The frequency data for this variant in the population databases is considered unreliable, as metrics indicate poor data quality at this position in the gnomAD database. This variant has not been reported in the literature in individuals affected with INF2-related conditions. ClinVar contains an entry for this variant (Variation ID: 246561). Advanced modeling of protein sequence and biophysical properties (such as structural, functional, and spatial information, amino acid conservation, physicochemical variation, residue mobility, and thermodynamic stability) performed at Invitae indicates that this missense variant is not expected to disrupt INF2 protein function with a negative predictive value of 95%. In summary, the available evidence is currently insufficient to determine the role of this variant in disease. Therefore, it has been classified as a Variant of Uncertain Significance.

GeneDx
Classification: Uncertain significance. Last evaluated: 2016-04-25. Review status: criteria provided, single submitter. Criteria: GeneDx Variant Classification (06012015). Collection method: clinical testing. Allele origin: germline. Affected: yes.
Comment: The c.1666 C>T variant has not been published as a pathogenic variant, nor has it been reported as a benign variant to our knowledge. It was not observed in approximately 6,300 individuals of European and African American ancestry in the NHLBI Exome Sequencing Project, indicating it is not a common benign variant in these populations. Several in-silico splice prediction models predict that c.1666 C>T creates a cryptic donor site which may supplant the natural donor site of intron 8 and lead to abnormal gene splicing. However, in the absence of RNA/functional studies, the actual effect of this sequence change in this individual is unknown. If the c.1666 C>T variant does not effect splicing, it will result in a R556W missense variant. The R556W variant is a non-conservative amino acid substitution, which is likely to impact secondary protein structure as these residues differ in polarity, charge, size and/or other properties. However, this substitution occurs at a position that is not conserved. In silico analysis is inconsistent in its predictions as to whether or not the variant is damaging to the protein structure/function. Therefore, based on the currently available information, it is unclear whether this variant is a pathogenic variant or a rare benign variant.